The following is an entry in ClinVar:

ClinVar aggregate classification (germline): Conflicting classifications of pathogenicity. Review status: criteria provided, conflicting classifications (1 of 4 stars). 9 submissions from 9 submitters: Uncertain significance (7); Likely benign (1). 1 of the submissions does not count toward it. Last evaluated 2025-09-11.

Conditions:
Hereditary cancer-predisposing syndrome. Also called: Tumor predisposition; Hereditary Cancer Syndrome; Neoplastic Syndromes, Hereditary; Hereditary neoplastic syndrome. Identifiers: Orphanet 140162, MedGen C0027672, MeSH D009386, MONDO:0015356.
BRCA2-related disorder. Also called: BRCA2-related condition; BRCA2-related disorders. Identifiers: MedGen CN239275.
Hereditary breast ovarian cancer syndrome. Also called: Hereditary breast and ovarian cancer; Breast and ovarian cancer; Hereditary breast and/or ovarian cancer syndrome; BRCA1- and BRCA2-Associated Hereditary Breast and Ovarian Cancer; Hereditary breast and ovarian cancer syndrome; Hereditary breast and ovarian cancer syndrome (HBOC). Identifiers: Orphanet 145, MedGen C0677776, MeSH D061325, MONDO:0003582. Disease mechanism: loss of function.
Breast-ovarian cancer, familial, susceptibility to, 2 (BROVCA2). Also called: BRCA2 Hereditary Breast and Ovarian Cancer. Identifiers: Orphanet 145, MedGen C2675520, MONDO:0012933, OMIM 612555. Disease mechanism: loss of function.
Familial cancer of breast. Also called: BREAST CANCER, FAMILIAL; Hereditary breast cancer; hereditary breast carcinoma. Identifiers: Orphanet 227535, MedGen C0346153, MONDO:0016419, OMIM 114480. Disease mechanism: loss of function.

Allele frequency attached by ClinVar (database versions not stated): TOPMed 0.00001; gnomAD 0.00002.
gnomAD v4.1: 7 of 1,613,692 alleles (0.00043%); highest among the groups gnomAD compares: Non-Finnish European, 0.00051%; no homozygotes.

Submissions (9):

Labcorp Genetics (formerly Invitae), Labcorp
Classification: Uncertain significance for Hereditary breast ovarian cancer syndrome. Last evaluated: 2025-09-11. Review status: criteria provided, single submitter. Criteria: Invitae Variant Classification Sherloc (09022015). Collection method: clinical testing. Allele origin: germline.
Comment: This sequence change replaces proline, which is neutral and non-polar, with alanine, which is neutral and non-polar, at codon 2608 of the BRCA2 protein (p.Pro2608Ala). This variant is not present in population databases (gnomAD no frequency). This variant has not been reported in the literature in individuals affected with BRCA2-related conditions. ClinVar contains an entry for this variant (Variation ID: 252423). Invitae Evidence Modeling incorporating data from in vitro experimental studies (PMID: 33609447) indicates that this missense variant is not expected to disrupt BRCA2 function with a negative predictive value of 95%. Experimental studies have shown that this missense change does not substantially affect BRCA2 function (PMID: 35736817). In summary, the available evidence is currently insufficient to determine the role of this variant in disease. Therefore, it has been classified as a Variant of Uncertain Significance.

Color Diagnostics, LLC DBA Color Health
Classification: Uncertain significance for Hereditary cancer-predisposing syndrome. Last evaluated: 2025-06-11. Review status: criteria provided, single submitter. Criteria: ACMG Guidelines, 2015. Collection method: clinical testing. Allele origin: germline.
Comment: This missense variant replaces proline with alanine at codon 2608 of the BRCA2 protein. Computational prediction is inconclusive regarding the impact of this variant on protein structure and function. A functional study has demonstrated this variant does not impact homology-directed DNA repair activity (PMID: 35736817) and an RNA study showed no abnormal splicing (PMID: 32123317). This variant has been reported in an individual affected with breast cancer (PMID: 33471991Leiden Open Variation Database DB-ID BRCA2_002563). This variant has not been identified in the general population by the Genome Aggregation Database (gnomAD). The available evidence is insufficient to determine the role of this variant in disease conclusively. Therefore, this variant is classified as a Variant of Uncertain Significance.

Baylor Genetics
Classification: Uncertain significance for Familial cancer of breast. Last evaluated: 2024-02-27. Review status: criteria provided, single submitter. Criteria: ACMG Guidelines, 2015. Collection method: clinical testing. Allele origin: unknown.

PreventionGenetics, part of Exact Sciences
Classification: Uncertain significance for BRCA2-related condition. Last evaluated: 2023-10-11. Review status: criteria provided, single submitter. Criteria: ACMG Guidelines, 2015. Collection method: clinical testing. Allele origin: germline.
Comment: The BRCA2 c.7822C>G variant is predicted to result in the amino acid substitution p.Pro2608Ala. This variant was classified as neutral based on the results of a homology-directed double-strand DNA break repair (HDR) functional assay (Table S2, Hu et al. 2022. PubMed ID: 35736817). RT-PCR studies indicate this variant does not impact splicing (Table S1, Wai et al. 2020. PubMed ID: 32123317). This variant has not been reported in a large population database, indicating this variant is rare. It has conflicting interpretations of likely benign and uncertain significance in ClinVar (Table S1, Wai et al. 2020. PubMed ID: 32123317). At this time, the clinical significance of this variant is uncertain due to the absence of conclusive functional and genetic evidence.

Women's Health and Genetics/Laboratory Corporation of America, LabCorp
Classification: Uncertain significance. Last evaluated: 2023-04-06. Review status: criteria provided, single submitter. Criteria: LabCorp Variant Classification Summary - May 2015. Collection method: clinical testing. Allele origin: germline.
Comment: Variant summary: BRCA2 c.7822C>G (p.Pro2608Ala) results in a non-conservative amino acid change located in the Breast cancer type 2 susceptibility protein, helical domain (IPR015252) of the encoded protein sequence. Five of five in-silico tools predict a damaging effect of the variant on protein function. The variant was absent in 251118 control chromosomes (gnomAD). The available data on variant occurrences in the general population are insufficient to allow any conclusion about variant significance. c.7822C>G has been reported in the literature in individuals affected with Breast Cancer (Dorling_2021), but it was also found in women over the age of 70 without any history of cancer (FLOSSIES dataset). These reports do not provide unequivocal conclusions about association of the variant with Hereditary Breast And Ovarian Cancer Syndrome. The variant did not impact splicing (Wai_2020) and the variant's impact on Homology-Directed Repair activity was considered neutral (Richardson_2021). Five ClinVar submitters have assessed the variant since 2014: four classified the variant as uncertain significance and one as likely benign. Based on the evidence outlined above, the variant was classified as uncertain significance.

All of Us Research Program, National Institutes of Health
Classification: Uncertain significance for Breast-ovarian cancer, familial, susceptibility to, 2. Last evaluated: 2023-02-24. Review status: criteria provided, single submitter. Criteria: ACMG Guidelines, 2015. Collection method: clinical testing. Allele origin: germline. Inheritance: Autosomal dominant inheritance. Observed: 1 variant allele, 1 heterozygote.
Comment: This missense variant replaces proline with alanine at codon 2608 of the BRCA2 protein. Computational prediction is inconclusive regarding the impact of this variant on protein structure and function (internally defined REVEL score threshold 0.5 < inconclusive < 0.7, PMID: 27666373). A functional study has demonstrated this variant does not impact homology-directed DNA repair activity (PMID: 35736817) and an RNA study showed no abnormal splicing (PMID: 32123317). This variant has been reported in an individual affected with breast cancer (PMID: 33471991; Leiden Open Variation Database DB-ID BRCA2_002563). This variant has not been identified in the general population by the Genome Aggregation Database (gnomAD). The available evidence is insufficient to determine the role of this variant in disease conclusively. Therefore, this variant is classified as a Variant of Uncertain Significance.

This study involves interpretation of variants in research participants for the purpose of population health screening. Participant phenotype was not available at the time of variant classification. Additional details can be found in publication PMID: 35346344, PMCID: PMC8962531

Ambry Genetics
Classification: Likely benign for Hereditary cancer-predisposing syndrome. Last evaluated: 2020-02-25. Review status: criteria provided, single submitter. Criteria: Ambry Variant Classification Scheme 2023. Collection method: clinical testing. Allele origin: germline.

Quest Diagnostics Nichols Institute San Juan Capistrano
Classification: Uncertain significance. Last evaluated: 2018-12-13. Review status: criteria provided, single submitter. Criteria: Quest Diagnostics criteria. Collection method: clinical testing. Allele origin: germline.

Counsyl
Classification: Uncertain significance for Breast-ovarian cancer, familial, susceptibility to, 2. Last evaluated: 2017-06-28. Review status: no assertion criteria provided. Collection method: clinical testing. Allele origin: unknown. Not counted in ClinVar's aggregate classification.

Literature cited by the submitters: PubMed 33609447 (cited by Labcorp Genetics (formerly Invitae), Labcorp and Women's Health and Genetics/Laboratory Corporation of America, LabCorp); PubMed 35736817 (cited by 3 submitters); PubMed 32123317 (cited by 3 submitters); PubMed 33471991 (cited by 3 submitters); PubMed 26295337 (cited by Quest Diagnostics Nichols Institute San Juan Capistrano).

NM_000059.4(BRCA2):c.7822C>G (p.Pro2608Ala)

Gene: BRCA2 (BRCA2 DNA repair associated; plus strand). Cytogenetic location: 13q13.1.
Variant type: single nucleotide variant.
Coding change: c.7822C>G on transcript NM_000059.4 (MANE Select); coding-DNA position 7822, C replaced by G.
Protein change: p.Pro2608Ala; replaces proline 2608 with alanine.
Molecular consequence: missense variant.
Genome position (GRCh38, 1-based): chr13:32,362,539, C>G. VCF-style: chr13-32362539-C-G. GRCh37 (hg19) VCF-style: chr13-32936676-C-G.
Other names: short protein forms P2608A.
Identifiers: ClinVar variation 252423 (VCV000252423.26), dbSNP rs879255308, ClinGen allele CA10585900.
Genomic context (GRCh38, chr13:32,362,539, plus strand): 5'-TCCTATGTGGTTTTTATGATAATATTCTACTTTTATTTGTTCAGGGCTCTGTGTGACACT[C>G]CAGGTGTGGATCCAAAGCTTATTTCTAGAATTTGGGTTTATAATCACTATAGATGGATCA-3'
Protein context (NP_000050.3, residues 2598-2618): EEFYRALCDT[Pro2608Ala]GVDPKLISRI